The following is an entry in ClinVar:

NM_005908.4(MANBA):c.1540_1541del (p.Val514fs)

Gene: MANBA (mannosidase beta; minus strand). Cytogenetic location: 4q24.
Variant type: Deletion.
Coding change: c.1540_1541del on transcript NM_005908.4 (MANE Select); coding-DNA positions 1540 to 1541, 2 bases deleted (GT; older notation c.1540_1541delGT).
Protein change: p.Val514fs; shifts the reading frame from valine 514.
Molecular consequence: frameshift variant.
Genome position (GRCh38, 1-based): chr4:102,657,845-102,657,846, AC deleted on the plus strand (GT on the coding strand, the reverse complement: MANBA is on the minus strand); deleting any 2 consecutive bases within chr4:102,657,845-102,657,847 gives the same sequence; the c. name uses the placement nearest the transcript's 3' end. VCF-style (leftmost placement, unchanged base first): chr4-102657844-AAC-A. GRCh37 (hg19) VCF-style: chr4-103579001-AAC-A.
Other names: c.1540_1541del (NM_005908.3); c.1540_1541delGT (NM_005908.3); short protein forms V514fs.
Identifiers: ClinVar variation 542166 (VCV000542166.8), dbSNP rs775574131, ClinGen allele CA3026863.

ClinVar aggregate classification (germline): Pathogenic/Likely pathogenic. Review status: criteria provided, multiple submitters, no conflicts (2 of 4 stars). 5 submissions from 5 submitters: Pathogenic (1); Likely pathogenic (4). Last evaluated 2026-01-13.

Conditions:
MANBA-related disorder. Also called: MANBA-related condition.
Beta-D-mannosidosis (MANSB). Also called: LYSOSOMAL BETA-MANNOSIDASE DEFICIENCY; MANNOSIDOSIS, BETA A, LYSOSOMAL; BETA-MANNOSIDASE DEFICIENCY; Beta-Mannosidosis. Identifiers: Orphanet 118, MedGen C4048196, MONDO:0009562, OMIM 248510.

Submissions (5):

Labcorp Genetics (formerly Invitae), Labcorp
Classification: Pathogenic for Beta-D-mannosidosis. Last evaluated: 2026-01-13. Review status: criteria provided, single submitter. Criteria: Invitae Variant Classification Sherloc (09022015). Collection method: clinical testing. Allele origin: germline.
Comment: This sequence change creates a premature translational stop signal (p.Val514Cysfs*10) in the MANBA gene. It is expected to result in an absent or disrupted protein product. Loss-of-function variants in MANBA are known to be pathogenic (PMID: 9384606, 12468273). This variant is present in population databases (rs775574131, gnomAD 0.002%). This variant has not been reported in the literature in individuals affected with MANBA-related conditions. ClinVar contains an entry for this variant (Variation ID: 542166). For these reasons, this variant has been classified as Pathogenic.

Fulgent Genetics
Classification: Likely pathogenic for Beta-D-mannosidosis. Last evaluated: 2024-04-10. Review status: criteria provided, single submitter. Criteria: ACMG Guidelines, 2015. Collection method: clinical testing. Allele origin: germline.

GeneDx
Classification: Likely pathogenic. Last evaluated: 2023-03-23. Review status: criteria provided, single submitter. Criteria: GeneDx Variant Classification Process June 2021. Collection method: clinical testing. Allele origin: germline. Affected: yes.
Comment: Frameshift variant predicted to result in protein truncation or nonsense mediated decay in a gene for which loss-of-function is a known mechanism of disease; Not observed at a significant frequency in large population cohorts (gnomAD); Has not been previously published as pathogenic or benign to our knowledge

Women's Health and Genetics/Laboratory Corporation of America, LabCorp
Classification: Likely pathogenic for Beta-D-mannosidosis. Last evaluated: 2023-02-20. Review status: criteria provided, single submitter. Criteria: LabCorp Variant Classification Summary - May 2015. Collection method: clinical testing. Allele origin: germline.
Comment: Variant summary: MANBA c.1540_1541delGT (p.Val514CysfsX10) results in a premature termination codon, predicted to cause a truncation of the encoded protein or absence of the protein due to nonsense mediated decay, which are commonly known mechanisms for disease. Truncations downstream of this position have been classified as pathogenic in ClinVar and are associated with Beta-Mannosidosis in HGMD. The variant allele was found at a frequency of 8e-06 in 251284 control chromosomes. The available data on variant occurrences in the general population are insufficient to allow any conclusion about variant significance. To our knowledge, no occurrence of c.1540_1541delGT in individuals affected with Beta-Mannosidosis and no experimental evidence demonstrating its impact on protein function have been reported. One clinical diagnostic laboratory has submitted clinical-significance assessments for this variant to ClinVar after 2014 without evidence for independent evaluation and classified the variant as pathogenic. Based on the evidence outlined above, the variant was classified as likely pathogenic.

Blueprint Genetics
Classification: Likely pathogenic for MANBA-related disorders. Last evaluated: 2018-09-17. Review status: criteria provided, single submitter. Criteria: ACMG Guidelines, 2015. Collection method: clinical testing. Allele origin: germline. Affected: yes. Observed: 1 variant allele.

Literature cited by the submitters: PubMed 9384606 (cited by Labcorp Genetics (formerly Invitae), Labcorp); PubMed 12468273 (cited by Labcorp Genetics (formerly Invitae), Labcorp).